The following is an entry in ClinVar:

ClinVar aggregate classification (germline): not provided. Review status: no classification provided (0 of 4 stars). 2 submissions from 2 submitters: not provided (1). 1 of the submissions does not count toward it.

Conditions:
Dyskeratosis congenita, autosomal recessive 1. Identifiers: Orphanet 1775, MedGen C1857144, MONDO:0009136, OMIM 224230.

Allele frequency attached by ClinVar (database versions not stated): gnomAD exomes below 0.00001.
gnomAD v4.1: 1 of 1,614,036 alleles (0.000062%); highest among the groups gnomAD compares: South Asian, 0.0011%; no homozygotes.

Submissions (2):

GeneReviews
No classification provided. Condition: Dyskeratosis congenita, autosomal recessive 1. Review status: no classification provided. Collection method: literature only. Allele origin: unknown.

OMIM
Classification: Pathogenic for DYSKERATOSIS CONGENITA, AUTOSOMAL RECESSIVE 1 (1 family). Last evaluated: 2007-07-01. Review status: flagged submission. Collection method: literature only. Allele origin: germline. Not counted in ClinVar's aggregate classification.
ClinVar note: Notes: Flagging candidate with reason of insufficient supporting evidence. This gene has been classified as having a limited gene-disease relationship by a ClinGen Expert Panel.
ClinVar note: Reason: P/LP classification for a variant in a gene with insufficient evidence for a gene-disease relationship

Literature cited by the submitters: PubMed 20301779 (cited by GeneReviews); NCBI Bookshelf NBK22301 (cited by GeneReviews); PubMed 17507419 (cited by OMIM).

NM_018648.4(NOP10):c.100C>T (p.Arg34Trp)

Gene: NOP10 (NOP10 ribonucleoprotein; minus strand). Cytogenetic location: 15q14.
Variant type: single nucleotide variant.
Coding change: c.100C>T on transcript NM_018648.4 (MANE Select); coding-DNA position 100, C replaced by T.
Protein change: p.Arg34Trp; replaces arginine 34 with tryptophan.
Molecular consequence: missense variant.
Genome position (GRCh38, 1-based): chr15:34,342,063, G>A on the plus strand (C>T on the coding strand, the complement: NOP10 is on the minus strand). VCF-style: chr15-34342063-G-A. GRCh37 (hg19) VCF-style: chr15-34634264-G-A.
Other names: short protein forms R34W.
Identifiers: ClinVar variation 4279 (VCV000004279.8), dbSNP rs121908092, ClinGen allele CA020161.